The following is an entry in ClinVar:

ClinVar aggregate classification (germline): Likely benign. Review status: criteria provided, multiple submitters, no conflicts (2 of 4 stars). 3 submissions from 3 submitters: Likely benign (3). Last evaluated 2022-08-06.

Allele frequency attached by ClinVar (database versions not stated): TOPMed below 0.00001; gnomAD 0.00001; gnomAD exomes below 0.00001.
gnomAD v4.1: 8 of 1,614,044 alleles (0.0005%); highest among the groups gnomAD compares: African/African-American, 0.008%; no homozygotes.

Submissions (3):

Labcorp Genetics (formerly Invitae), Labcorp
Classification: Likely benign. Last evaluated: 2022-08-06. Review status: criteria provided, single submitter. Criteria: Invitae Variant Classification Sherloc (09022015). Collection method: clinical testing. Allele origin: germline.

Laboratory for Molecular Medicine, Mass General Brigham Personalized Medicine
Classification: Likely benign. Last evaluated: 2020-08-13. Review status: criteria provided, single submitter. Criteria: LMM Criteria. Collection method: clinical testing. Allele origin: germline. Observed: 1 variant allele.
Comment: The p.Leu2399Leu variant in MYO15A is classified as likely benign because it does not alter an amino acid residue, it is not located within the splice consensus sequence, and splice prediction algorithms do not predict a newly created splice site. ACMG/AMP Criteria applied: BP4, BP7.

GeneDx
Classification: Likely benign. Last evaluated: 2018-03-19. Review status: criteria provided, single submitter. Criteria: GeneDx Variant Classification (06012015). Collection method: clinical testing. Allele origin: germline. Affected: yes.
Comment: This variant is considered likely benign or benign based on one or more of the following criteria: it is a conservative change, it occurs at a poorly conserved position in the protein, it is predicted to be benign by multiple in silico algorithms, and/or has population frequency not consistent with disease.

NM_016239.4(MYO15A):c.7197G>A (p.Leu2399=)

Gene: MYO15A (myosin XVA; plus strand). Cytogenetic location: 17p11.2.
Variant type: single nucleotide variant.
Coding change: c.7197G>A on transcript NM_016239.4 (MANE Select); coding-DNA position 7197, G replaced by A.
Protein change: p.Leu2399=; no amino-acid change (leucine 2399 retained).
Molecular consequence: synonymous variant.
Genome position (GRCh38, 1-based): chr17:18,149,565, G>A. VCF-style: chr17-18149565-G-A. GRCh37 (hg19) VCF-style: chr17-18052879-G-A.
Identifiers: ClinVar variation 680323 (VCV000680323.11), dbSNP rs981596520, ClinGen allele CA288409984.